The following is an entry in ClinVar:

NC_000001.10:g.(?_42922237)_(42925597_?)dup

Gene: PPCS (phosphopantothenoylcysteine synthetase; plus strand). Cytogenetic location: 1p34.2.
Variant type: Duplication.
Identifiers: ClinVar variation 2426857 (VCV002426857.4).

ClinVar aggregate classification (germline): Uncertain significance (1 of 4 stars; one submission).

Submission:

Labcorp Genetics (formerly Invitae), Labcorp
Classification: Uncertain significance. Last evaluated: 2023-04-05. Review status: criteria provided, single submitter. Criteria: Invitae Variant Classification Sherloc (09022015). Collection method: clinical testing. Allele origin: germline.
Comment: In summary, the available evidence is currently insufficient to determine the role of this variant in disease. Therefore, it has been classified as a Variant of Uncertain Significance. This variant has not been reported in the literature in individuals affected with PPCS-related conditions. A copy number gain of the genomic region encompassing the full coding sequence of the PPCS gene has been identified. The boundaries of this event are unknown as they extend beyond the assayed region for this gene and therefore may encompass additional genes. As the precise location of this event is unknown, it may be in tandem or it may be located elsewhere in the genome.